The following is an entry in ClinVar:

ClinVar aggregate classification (germline): Pathogenic (1 of 4 stars; one submission).

Conditions:
Megabladder, congenital. Identifiers: MedGen C5231472, MONDO:0032879, OMIM 618719.

Submission:

Department of Medical Genetics, International Peace Maternity and Child Health Hospital, Shanghai Jiao Tong University School of Medicine
Classification: Pathogenic for Megabladder, congenital. Last evaluated: 2026-05-01. Review status: criteria provided, single submitter. Criteria: ACMG Guidelines, 2015. Collection method: research. Allele origin: germline. Affected: yes.
Comment: This sequence change creates a premature translational stop signal p.(Gln307Ter) in the MYOCD gene. This alteration is expected to result in loss of function by premature protein truncation or nonsense-mediated mRNA decay. Loss-of-function variants in MYOCD are known to be pathogenic (PMID: 31513549) (PVS1). This variant was not reported in population-based cohorts in the Genome Aggregation Database (gnomAD) (PM2_Sup). For these reasons, this variant has been classified as Pathogenic.

Literature cited by the submitters: PubMed 31513549.

NM_001146312.3(MYOCD):c.919C>T (p.Gln307Ter)

Gene: MYOCD (myocardin; plus strand). Cytogenetic location: 17p12.
Variant type: single nucleotide variant.
Coding change: c.919C>T on transcript NM_001146312.3 (MANE Select); coding-DNA position 919, C replaced by T.
Protein change: p.Gln307Ter; replaces glutamine 307 with a stop codon.
Molecular consequence: nonsense.
Genome position (GRCh38, 1-based): chr17:12,744,384, C>T. VCF-style: chr17-12744384-C-T. GRCh37 (hg19) VCF-style: chr17-12647701-C-T.
Other names: c.682C>T, p.Gln228Ter (NM_001378306.1); c.919C>T, p.Gln307Ter (NM_153604.4); short protein forms Q228*, Q307*.
Identifiers: ClinVar variation 4850869 (VCV004850869.1).